The following is an entry in ClinVar:

ClinVar aggregate classification (germline): Uncertain significance (1 of 4 stars; one submission).

Allele frequency attached by ClinVar (database versions not stated): gnomAD 0.00001; ExAC 0.00003; TOPMed 0.00012.
gnomAD v4.1: 24 of 1,614,108 alleles (0.0015%); highest among the groups gnomAD compares: East Asian, 0.053%; no homozygotes.

Submission:

Labcorp Genetics (formerly Invitae), Labcorp
Classification: Uncertain significance. Last evaluated: 2022-06-27. Review status: criteria provided, single submitter. Criteria: Invitae Variant Classification Sherloc (09022015). Collection method: clinical testing. Allele origin: germline.
Comment: This sequence change replaces glutamine, which is neutral and polar, with glutamic acid, which is acidic and polar, at codon 828 of the FLNB protein (p.Gln828Glu). In summary, the available evidence is currently insufficient to determine the role of this variant in disease. Therefore, it has been classified as a Variant of Uncertain Significance. Algorithms developed to predict the effect of missense changes on protein structure and function output the following: SIFT: "Tolerated"; PolyPhen-2: "Benign"; Align-GVGD: "Class C0". The glutamic acid amino acid residue is found in multiple mammalian species, which suggests that this missense change does not adversely affect protein function. This variant has not been reported in the literature in individuals affected with FLNB-related conditions. This variant is present in population databases (rs763307721, gnomAD 0.05%).

NM_001457.4(FLNB):c.2482C>G (p.Gln828Glu)

Gene: FLNB (filamin B; plus strand). Cytogenetic location: 3p14.3.
Variant type: single nucleotide variant.
Coding change: c.2482C>G on transcript NM_001457.4 (MANE Select); coding-DNA position 2482, C replaced by G.
Protein change: p.Gln828Glu; replaces glutamine 828 with glutamic acid.
Molecular consequence: missense variant.
Genome position (GRCh38, 1-based): chr3:58,110,168, C>G. VCF-style: chr3-58110168-C-G. GRCh37 (hg19) VCF-style: chr3-58095895-C-G.
Other names: c.2482C>G, p.Gln828Glu (NM_001164317.2, NM_001164318.2, NM_001164319.2); short protein forms Q828E.
Identifiers: ClinVar variation 1419543 (VCV001419543.6), dbSNP rs763307721, ClinGen allele CA2468126.
Genomic context (GRCh38, chr3:58,110,168, plus strand): 5'-ACAGTCAAATATGTGCCTCCTGCTGCTGGGCGATACACTATCAAAGTTCTCTTTGCATCT[C>G]AGGTACGTGGTGGGGCCTGGGAGGAGATGGGTGGAGTAGGCCTGGATTCTCTTTGGCCAC-3'
Protein context (NP_001448.2, residues 818-838): RYTIKVLFAS[Gln828Glu]EIPASPFRVK